The following is an entry in ClinVar:

ClinVar aggregate classification (germline): Benign (1 of 4 stars; one submission).

Submission:

Unidad de Genómica Garrahan, Hospital de Pediatría Garrahan
Classification: Benign. Last evaluated: 2024-01-24. Review status: criteria provided, single submitter. Criteria: ACMG Guidelines, 2015. Collection method: clinical testing. Allele origin: germline. Affected: no. Observed: 29 variant alleles.
Comment: This variant is classified as Benign based on local population frequency. This variant was detected in 31% of patients studied by a panel of primary immunodeficiencies. Number of patients: 29. Only high quality variants are reported.

NM_052936.5(ATG4A):c.815-49dup

Gene: ATG4A (autophagy related 4A cysteine peptidase; plus strand). Cytogenetic location: Xq22.3.
Variant type: Duplication.
Coding change: c.815-49dup on transcript NM_052936.5 (MANE Select); 49 bases into the intron before coding-DNA position 815, one base duplicated (G; older notation c.815-49dupG).
Molecular consequence: intron variant.
Genome position (GRCh38, 1-based): chrX:108,150,103, G duplicated; the last of 3 consecutive G bases (chrX:108,150,101-108,150,103); duplicating any one gives the same sequence. VCF-style (leftmost placement, unchanged base first): chrX-108150100-T-TG. GRCh37 (hg19) VCF-style: chrX-107393330-T-TG.
Other names: c.584-49dup (NM_001321287.2, NM_001321288.2, NM_178271.3); c.299-49dup (NM_001321290.2); c.398-49dup (NM_001321289.2); c.629-49dup (NM_178270.4).
Identifiers: ClinVar variation 2688250 (VCV002688250.2), dbSNP rs3215492, ClinGen allele CA334033255.